The following is an entry in ClinVar:

NM_198525.3(KIF7):c.3061C>T (p.Arg1021Cys)

Gene: KIF7 (kinesin family member 7; minus strand). Cytogenetic location: 15q26.1.
Variant type: single nucleotide variant.
Coding change: c.3061C>T on transcript NM_198525.3 (MANE Select); coding-DNA position 3061, C replaced by T.
Protein change: p.Arg1021Cys; replaces arginine 1021 with cysteine.
Molecular consequence: missense variant.
Genome position (GRCh38, 1-based): chr15:89,631,545, G>A on the plus strand (C>T on the coding strand, the complement: KIF7 is on the minus strand). VCF-style: chr15-89631545-G-A. GRCh37 (hg19) VCF-style: chr15-90174776-G-A.
Other names: short protein forms R1021C.
Identifiers: ClinVar variation 642388 (VCV000642388.9), dbSNP rs144493884, ClinGen allele CA7727843.

ClinVar aggregate classification (germline): Conflicting classifications of pathogenicity. Review status: criteria provided, conflicting classifications (1 of 4 stars). 4 submissions from 4 submitters: Uncertain significance (3); Likely benign (1). Last evaluated 2024-04-09.

Conditions:
Inborn genetic diseases. Identifiers: MedGen C0950123, MeSH D030342.
Hydrolethalus syndrome 2 (HLS2). Identifiers: Orphanet 2189, MedGen C3279899, MONDO:0013585, OMIM 614120.
Multiple epiphyseal dysplasia, Al-Gazali type. Also called: Macrocephaly with multiple epiphyseal dysplasia and distinctive facies. Identifiers: Orphanet 166024, MedGen C1846722, MONDO:0011778, OMIM 607131.
Acrocallosal syndrome (ACLS). Also called: HALLUX DUPLICATION, POSTAXIAL POLYDACTYLY, AND ABSENCE OF CORPUS CALLOSUM; Schinzel syndrome 1; Absence of corpus callosum with unusual facial appearance, mental deficiency, duplication of the halluces and polydactyly. Identifiers: Orphanet 36, MedGen C0796147, MONDO:0008708, OMIM 200990.

Allele frequency attached by ClinVar (database versions not stated): TOPMed 0.00002; gnomAD exomes 0.00004 and 0.00018; gnomAD 0.00005 and 0.00006; ExAC 0.00011; ESP Exome Variant Server 0.00015.
gnomAD v4.1: 258 of 1,582,566 alleles (0.016%); highest among the groups gnomAD compares: Non-Finnish European, 0.02%; 1 homozygote.

Submissions (4):

Fulgent Genetics
Classification: Likely benign for Acrocallosal syndrome; Multiple epiphyseal dysplasia, Al-Gazali type; Hydrolethalus syndrome 2. Last evaluated: 2024-04-09. Review status: criteria provided, single submitter. Criteria: ACMG Guidelines, 2015. Collection method: clinical testing. Allele origin: germline.

GeneDx
Classification: Uncertain significance. Last evaluated: 2022-09-12. Review status: criteria provided, single submitter. Criteria: GeneDx Variant Classification Process June 2021. Collection method: clinical testing. Allele origin: germline. Affected: yes.
Comment: Not observed at significant frequency in large population cohorts (gnomAD); In silico analysis supports that this missense variant has a deleterious effect on protein structure/function; Has not been previously published as pathogenic or benign to our knowledge

Labcorp Genetics (formerly Invitae), Labcorp
Classification: Uncertain significance for Acrocallosal syndrome. Last evaluated: 2022-06-13. Review status: criteria provided, single submitter. Criteria: Invitae Variant Classification Sherloc (09022015). Collection method: clinical testing. Allele origin: germline.
Comment: In summary, the available evidence is currently insufficient to determine the role of this variant in disease. Therefore, it has been classified as a Variant of Uncertain Significance. Algorithms developed to predict the effect of missense changes on protein structure and function are either unavailable or do not agree on the potential impact of this missense change (SIFT: "Deleterious"; PolyPhen-2: "Probably Damaging"; Align-GVGD: "Class C0"). ClinVar contains an entry for this variant (Variation ID: 642388). This variant has not been reported in the literature in individuals affected with KIF7-related conditions. The frequency data for this variant in the population databases is considered unreliable, as metrics indicate poor data quality at this position in the gnomAD database. This sequence change replaces arginine, which is basic and polar, with cysteine, which is neutral and slightly polar, at codon 1021 of the KIF7 protein (p.Arg1021Cys).

Ambry Genetics
Classification: Uncertain significance for Inborn genetic diseases. Last evaluated: 2021-08-09. Review status: criteria provided, single submitter. Criteria: Ambry Variant Classification Scheme 2023. Collection method: clinical testing. Allele origin: germline.